The following is an entry in ClinVar:

NM_018668.5(VPS33B):c.498+4A>G

Gene: VPS33B (VPS33B late endosome and lysosome associated; minus strand). Cytogenetic location: 15q26.1.
Variant type: single nucleotide variant.
Coding change: c.498+4A>G on transcript NM_018668.5 (MANE Select); 4 bases into the intron after coding-DNA position 498, A replaced by G.
Molecular consequence: intron variant.
Genome position (GRCh38, 1-based): chr15:91,007,866, T>C on the plus strand (A>G on the coding strand, the complement: VPS33B is on the minus strand). VCF-style: chr15-91007866-T-C. GRCh37 (hg19) VCF-style: chr15-91551096-T-C.
Other names: c.417+4A>G (NM_001289148.1); c.225+4A>G (NM_001289149.1).
Identifiers: ClinVar variation 1332793 (VCV001332793.5), dbSNP rs532940784, ClinGen allele CA7745051.
Genomic context (GRCh38, chr15:91,007,866, plus strand): 5'-GCCCTCTGCATCCCACATTTGTCCCCATCCCCTGATGCCAAGACACAAGGGCCTCTGCAT[T>C]TACCAGAAAGTAATCCCTGAAAAATTCTGGTAGTTCCATGCTCAGCAGATCCACATCAAG-3'

ClinVar aggregate classification (germline): Conflicting classifications of pathogenicity. Review status: criteria provided, conflicting classifications (1 of 4 stars). 3 submissions from 3 submitters: Likely pathogenic (2); Uncertain significance (1). Last evaluated 2024-12-13.

Conditions:
Keratoderma-ichthyosis-deafness syndrome, autosomal recessive (KDIDAR). Identifiers: MedGen C5774200, MONDO:0859278, OMIM 620009.
Arthrogryposis, renal dysfunction, and cholestasis 1 (ARCS1). Identifiers: Orphanet 2697, MedGen C1859722, MONDO:0008822, OMIM 208085.

Allele frequency attached by ClinVar (database versions not stated): gnomAD 0.00001; gnomAD exomes 0.00001; ExAC 0.00002; 1000 Genomes Project 0.00020; 1000 Genomes Project 30x 0.00031.
gnomAD v4.1: 13 of 1,613,990 alleles (0.00081%); highest among the groups gnomAD compares: South Asian, 0.014%; no homozygotes.

Submissions (3):

Institute of Medical Genetics and Genomics, Sir Ganga Ram Hospital
Classification: Likely pathogenic for Keratoderma-ichthyosis-deafness syndrome, autosomal recessive. Last evaluated: 2024-12-13. Review status: criteria provided, single submitter. Criteria: ACMG Guidelines, 2015. Collection method: clinical testing. Allele origin: germline. Inheritance: Autosomal recessive inheritance. Affected: yes. Observed: 1 homozygote.
Comment: The identified homozygous intronic variant[ c.498+4A>G] in VPS33B gene is highly specific to the patients phenotype[PP4], is absent in the normal population database[PM2] and is predicted to be impacting splicing by various splicing software's[PP3],hence classified as likely pathogenic

Blueprint Genetics
Classification: Uncertain significance. Last evaluated: 2024-11-04. Review status: criteria provided, single submitter. Criteria: ACMG Guidelines, 2015. Collection method: clinical testing. Allele origin: germline.

Kasturba Medical College, Manipal, Kasturba Medical College, Manipal, Manipal Academy of Higher Education, Manipal, India
Classification: Likely pathogenic for Arthrogryposis, renal dysfunction, and cholestasis 1. Review status: criteria provided, single submitter. Criteria: ACMG Guidelines, 2015. Collection method: research. Allele origin: inherited. Affected: yes.